The following is an entry in ClinVar:

ClinVar aggregate classification (germline): Uncertain significance (1 of 4 stars; one submission).

Conditions:
SEC61A1-related disorder. Also called: SEC61A1-related condition.

Submission:

3billion
Classification: Uncertain significance for SEC61A1-related disorder. Last evaluated: 2025-12-18. Review status: criteria provided, single submitter. Criteria: ACMG Guidelines, 2015. Collection method: clinical testing. Allele origin: germline. Affected: yes.
Comment: The variant is not observed in the gnomAD v4.1.0 dataset. Predicted Consequence/Location: Missense variant. Missense changes are a common disease-causing mechanism. In silico tool predictions suggest damaging effect of the variant on gene or gene product [REVEL: 0.91 (>=0.6, sensitivity 0.68 and specificity 0.92); 3Cnet: 0.84 (> 0.75, sensitivity 0.96 and precision 0.92)]. Therefore, this variant is classified as VUS according to the recommendation of ACMG/AMP guideline.

NM_013336.4(SEC61A1):c.262G>C (p.Gly88Arg)

Gene: SEC61A1 (SEC61 translocon subunit alpha 1; plus strand). Cytogenetic location: 3q21.3.
Variant type: single nucleotide variant.
Coding change: c.262G>C on transcript NM_013336.4 (MANE Select); coding-DNA position 262, G replaced by C.
Protein change: p.Gly88Arg; replaces glycine 88 with arginine.
Molecular consequence: missense variant.
Genome position (GRCh38, 1-based): chr3:128,056,750, G>C. VCF-style: chr3-128056750-G-C. GRCh37 (hg19) VCF-style: chr3-127775593-G-C.
Other names: c.280G>C, p.Gly94Arg (NM_001400328.1); c.103G>C, p.Gly35Arg (NM_001400329.1); short protein forms G35R, G88R, G94R.
Identifiers: ClinVar variation 4854729 (VCV004854729.1).